The following is an entry in ClinVar:

NM_001378030.1(CCDC78):c.1118G>C (p.Gly373Ala)

Gene: CCDC78 (coiled-coil domain containing 78; minus strand). Cytogenetic location: 16p13.3.
Variant type: single nucleotide variant.
Coding change: c.1118G>C on transcript NM_001378030.1 (MANE Select); coding-DNA position 1118, G replaced by C.
Protein change: p.Gly373Ala; replaces glycine 373 with alanine.
Molecular consequence: missense variant. On other transcripts: non-coding transcript variant (5), intron variant (1).
Genome position (GRCh38, 1-based): chr16:723,872, C>G on the plus strand (G>C on the coding strand, the complement: CCDC78 is on the minus strand). VCF-style: chr16-723872-C-G. GRCh37 (hg19) VCF-style: chr16-773872-C-G.
Other names: c.1118G>C, p.Gly373Ala (NM_001031737.3); c.551G>C, p.Gly184Ala (NM_001378033.1); c.953+450G>C (NM_001378031.1); short protein forms G184A, G373A.
Identifiers: ClinVar variation 4740931 (VCV004740931.1).
Genomic context (GRCh38, chr16:723,872, plus strand): 5'-TGCTCATCCCCCACAGGCCTCCCCCACACCCATGAGGGCACTCACTGTGGCTCTGATGTT[C>G]CCCCCTGGGAGGCTCCACCGGGTCTCTTTTTTGGGGATGAGAGCAGTGCCCCAGGCCCGC-3'
Protein context (NP_001364959.1, residues 363-383): KKRPGGASQG[Gly373Ala]TSEPQGLDAA

ClinVar aggregate classification (germline): Uncertain significance (1 of 4 stars; one submission).

Conditions:
Congenital myopathy with internal nuclei and atypical cores. Also called: Myopathy, centronuclear, 4. Identifiers: Orphanet 319160, MedGen C4707232, MONDO:0013890, OMIM 614807.

Submission:

Labcorp Genetics (formerly Invitae), Labcorp
Classification: Uncertain significance for Congenital myopathy with internal nuclei and atypical cores. Last evaluated: 2025-08-04. Review status: criteria provided, single submitter. Criteria: Invitae Variant Classification Sherloc (09022015). Collection method: clinical testing. Allele origin: germline.
Comment: This sequence change replaces glycine, which is neutral and non-polar, with alanine, which is neutral and non-polar, at codon 373 of the CCDC78 protein (p.Gly373Ala). This variant is not present in population databases (gnomAD no frequency). This variant has not been reported in the literature in individuals affected with CCDC78-related conditions. Invitae Evidence Modeling of protein sequence and biophysical properties (such as structural, functional, and spatial information, amino acid conservation, physicochemical variation, residue mobility, and thermodynamic stability) indicates that this missense variant is not expected to disrupt CCDC78 protein function with a negative predictive value of 80%. In summary, the available evidence is currently insufficient to determine the role of this variant in disease. Therefore, it has been classified as a Variant of Uncertain Significance.